The following is an entry in ClinVar:

ClinVar aggregate classification (germline): Uncertain significance (1 of 4 stars; one submission).

gnomAD v4.1: 1 of 1,613,300 alleles (0.000062%); highest among the groups gnomAD compares: South Asian, 0.0011%; no homozygotes.

Submission:

Labcorp Genetics (formerly Invitae), Labcorp
Classification: Uncertain significance. Last evaluated: 2025-03-31. Review status: criteria provided, single submitter. Criteria: Invitae Variant Classification Sherloc (09022015). Collection method: clinical testing. Allele origin: germline.
Comment: This sequence change replaces glycine, which is neutral and non-polar, with aspartic acid, which is acidic and polar, at codon 779 of the ACTN1 protein (p.Gly779Asp). This variant is not present in population databases (gnomAD no frequency). This variant has not been reported in the literature in individuals affected with ACTN1-related conditions. ClinVar contains an entry for this variant (Variation ID: 2782317). An algorithm developed to predict the effect of missense changes on protein structure and function (PolyPhen-2) suggests that this variant is likely to be tolerated. In summary, the available evidence is currently insufficient to determine the role of this variant in disease. Therefore, it has been classified as a Variant of Uncertain Significance.

NM_001130004.2(ACTN1):c.2336G>A (p.Gly779Asp)

Gene: ACTN1 (actinin alpha 1; minus strand). Cytogenetic location: 14q24.1.
Variant type: single nucleotide variant.
Coding change: c.2336G>A on transcript NM_001130004.2 (MANE Select); coding-DNA position 2336, G replaced by A.
Protein change: p.Gly779Asp; replaces glycine 779 with aspartic acid.
Molecular consequence: missense variant. On other transcripts: intron variant (8).
Genome position (GRCh38, 1-based): chr14:68,879,014, C>T on the plus strand (G>A on the coding strand, the complement: ACTN1 is on the minus strand). VCF-style: chr14-68879014-C-T. GRCh37 (hg19) VCF-style: chr14-69345731-C-T.
Other names: c.2141G>A, p.Gly714Asp (NM_001411036.1, NM_001424026.1); c.2336G>A, p.Gly779Asp (NM_001424012.1, NM_001102.4); c.2462G>A, p.Gly821Asp (NM_001424013.1); c.2423G>A, p.Gly808Asp (NM_001424015.1); c.2360G>A, p.Gly787Asp (NM_001424016.1); c.2333G>A, p.Gly778Asp (NM_001424017.1); c.2297G>A, p.Gly766Asp (NM_001424018.1); c.2153G>A, p.Gly718Asp (NM_001424019.1, NM_001424024.1, NM_001424025.1); and 10 more; short protein forms G504D, G718D, G756D, G766D, G821D, G787D, G714D, G758D.
Identifiers: ClinVar variation 2782317 (VCV002782317.3), dbSNP rs2503136318, ClinGen allele CA390181393.
Genomic context (GRCh38, chr14:68,879,014, plus strand): 5'-CACCCCTGAGCGTGCTCCATGCAGGAGGCGAGTACCTGGGGGTCGTTGCCAATATCATAA[C>T]CCAAGCTGATGAGGCAGGCTTTGAACTCCTCGGGACCCAGTGTGCCGGAGTGATCCTGGG-3'
Protein context (NP_001123476.1, residues 769-789): EEFKACLISL[Gly779Asp]YDIGNDPQKK